The following is an entry in ClinVar:

ClinVar aggregate classification (germline): Uncertain significance (1 of 4 stars; one submission).

gnomAD v4.1: 19 of 1,612,930 alleles (0.0012%); highest among the groups gnomAD compares: African/African-American, 0.0027%; no homozygotes.

Submission:

Labcorp Genetics (formerly Invitae), Labcorp
Classification: Uncertain significance. Last evaluated: 2024-11-15. Review status: criteria provided, single submitter. Criteria: Invitae Variant Classification Sherloc (09022015). Collection method: clinical testing. Allele origin: germline.
Comment: This sequence change replaces alanine, which is neutral and non-polar, with glycine, which is neutral and non-polar, at codon 965 of the USP7 protein (p.Ala965Gly). This variant is present in population databases (rs765762500, gnomAD 0.007%). This variant has not been reported in the literature in individuals affected with USP7-related conditions. An algorithm developed to predict the effect of missense changes on protein structure and function (PolyPhen-2) suggests that this variant is likely to be tolerated. In summary, the available evidence is currently insufficient to determine the role of this variant in disease. Therefore, it has been classified as a Variant of Uncertain Significance.

NM_003470.3(USP7):c.2894C>G (p.Ala965Gly)

Gene: USP7 (ubiquitin specific peptidase 7; minus strand). Cytogenetic location: 16p13.2.
Variant type: single nucleotide variant.
Coding change: c.2894C>G on transcript NM_003470.3 (MANE Select); coding-DNA position 2894, C replaced by G.
Protein change: p.Ala965Gly; replaces alanine 965 with glycine.
Molecular consequence: missense variant. On other transcripts: non-coding transcript variant (1).
Genome position (GRCh38, 1-based): chr16:8,895,667, G>C on the plus strand (C>G on the coding strand, the complement: USP7 is on the minus strand). VCF-style: chr16-8895667-G-C. GRCh37 (hg19) VCF-style: chr16-8989524-G-C.
Other names: c.2846C>G, p.Ala949Gly (NM_001286457.2); c.2597C>G, p.Ala866Gly (NM_001286458.2); c.2720C>G, p.Ala907Gly (NM_001321858.2); short protein forms A965G, A907G, A949G, A866G.
Identifiers: ClinVar variation 3700163 (VCV003700163.2).
Genomic context (GRCh38, chr16:8,895,667, plus strand): 5'-TTCTCTCTGGTGCCAACAGTATCGGGGACAGATACCTCTATTCGAAACGTCCGGCTCGTT[G>C]CAGGAGATAAACATTCTAATAGTTCATCTTCTTGATGAACACCAATGATTTTGTAGCTTA-3'
Protein context (NP_003461.2, residues 955-975): EDELLECLSP[Ala965Gly]TSRTFRIEEI